The following is an entry in ClinVar:

NM_001048174.2(MUTYH):c.699G>C (p.Gln233His)

Gene: MUTYH (mutY DNA glycosylase; minus strand). Cytogenetic location: 1p34.1.
Variant type: single nucleotide variant.
Coding change: c.699G>C on transcript NM_001048174.2 (MANE Select); coding-DNA position 699, G replaced by C.
Protein change: p.Gln233His; replaces glutamine 233 with histidine.
Molecular consequence: missense variant. On other transcripts: non-coding transcript variant (2).
Genome position (GRCh38, 1-based): chr1:45,332,396, C>G on the plus strand (G>C on the coding strand, the complement: MUTYH is on the minus strand). VCF-style: chr1-45332396-C-G. GRCh37 (hg19) VCF-style: chr1-45798068-C-G.
Other names: c.699G>C, p.Gln233His (NM_001048171.2, NM_001048173.2, NM_001293195.2); c.702G>C, p.Gln234His (NM_001048172.2); c.783G>C, p.Gln261His (NM_001128425.2); c.744G>C, p.Gln248His (NM_001293190.2); c.732G>C, p.Gln244His (NM_001293191.2); c.423G>C, p.Gln141His (NM_001293192.2, NM_001293196.2); c.354G>C, p.Gln118His (NM_001350650.2, NM_001350651.2); c.774G>C, p.Gln258His (NM_012222.3); short protein forms Q118H, Q234H, Q258H, Q244H, Q248H, Q141H, Q233H, Q261H.
Identifiers: ClinVar variation 827282 (VCV000827282.11), dbSNP rs765339120, ClinGen allele CA059057.

ClinVar aggregate classification (germline): Conflicting classifications of pathogenicity. Review status: criteria provided, conflicting classifications (1 of 4 stars). 3 submissions from 3 submitters: Uncertain significance (2); Likely benign (1). Last evaluated 2023-12-05.

Conditions:
Hereditary cancer-predisposing syndrome. Also called: Tumor predisposition; Hereditary Cancer Syndrome; Hereditary neoplastic syndrome; Neoplastic Syndromes, Hereditary. Identifiers: Orphanet 140162, MedGen C0027672, MeSH D009386, MONDO:0015356.
Familial adenomatous polyposis 2. Also called: FAP type 2; MUTYH Polyposis; COLORECTAL ADENOMATOUS POLYPOSIS, AUTOSOMAL RECESSIVE; ADENOMAS, MULTIPLE COLORECTAL, AUTOSOMAL RECESSIVE; MUTYH-associated polyposis; MUTYH-related attenuated familial adenomatous polyposis. Identifiers: Orphanet 220460, Orphanet 247798, MedGen C3272841, MONDO:0012041, OMIM 608456.

Allele frequency attached by ClinVar (database versions not stated): ExAC 0.00001.
gnomAD v4.1: 3 of 1,614,158 alleles (0.00019%); highest among the groups gnomAD compares: South Asian, 0.0022%; no homozygotes.

Submissions (3):

Color Diagnostics, LLC DBA Color Health
Classification: Uncertain significance for Hereditary cancer-predisposing syndrome. Last evaluated: 2023-12-05. Review status: criteria provided, single submitter. Criteria: ACMG Guidelines, 2015. Collection method: clinical testing. Allele origin: germline.
Comment: This missense variant replaces glutamine with histidine at codon 261 of the MUTYH protein. Computational prediction tools and conservation analyses suggest that this variant may not impact protein structure and function. To our knowledge, functional studies have not been performed for this variant. This variant has not been reported in individuals affected with hereditary cancer in the literature. This variant has been identified in 1/250516 chromosomes in the general population by the Genome Aggregation Database (gnomAD). The available evidence is insufficient to determine the role of this variant in disease conclusively. Therefore, this variant is classified as a Variant of Uncertain Significance.

Labcorp Genetics (formerly Invitae), Labcorp
Classification: Uncertain significance for Familial adenomatous polyposis 2. Last evaluated: 2023-02-16. Review status: criteria provided, single submitter. Criteria: Invitae Variant Classification Sherloc (09022015). Collection method: clinical testing. Allele origin: germline.
Comment: This variant is present in population databases (rs765339120, gnomAD no frequency). In summary, the available evidence is currently insufficient to determine the role of this variant in disease. Therefore, it has been classified as a Variant of Uncertain Significance. Algorithms developed to predict the effect of missense changes on protein structure and function output the following: SIFT: "Not Available"; PolyPhen-2: "Benign"; Align-GVGD: "Not Available". The histidine amino acid residue is found in multiple mammalian species, which suggests that this missense change does not adversely affect protein function. ClinVar contains an entry for this variant (Variation ID: 827282). This variant has not been reported in the literature in individuals affected with MUTYH-related conditions. This sequence change replaces glutamine, which is neutral and polar, with histidine, which is basic and polar, at codon 261 of the MUTYH protein (p.Gln261His).

Ambry Genetics
Classification: Likely benign for Hereditary cancer-predisposing syndrome. Last evaluated: 2019-09-18. Review status: criteria provided, single submitter. Criteria: Ambry Variant Classification Scheme 2023. Collection method: clinical testing. Allele origin: germline.